The following is an entry in ClinVar:

NM_006361.6(HOXB13):c.455dup (p.Ala154fs)

Gene: HOXB13 (homeobox B13; minus strand). Cytogenetic location: 17q21.32.
Variant type: Duplication.
Coding change: c.455dup on transcript NM_006361.6 (MANE Select); coding-DNA position 455, one base duplicated (T; older notation c.455dupT).
Protein change: p.Ala154fs; shifts the reading frame from alanine 154.
Molecular consequence: frameshift variant.
Genome position (GRCh38, 1-based): chr17:48,728,139, A duplicated on the plus strand (T on the coding strand, the reverse complement: HOXB13 is on the minus strand). VCF-style (leftmost placement, unchanged base first): chr17-48728138-C-CA. GRCh37 (hg19) VCF-style: chr17-46805500-C-CA.
Other names: short protein forms A154fs.
Identifiers: ClinVar variation 2179082 (VCV002179082.3), dbSNP rs2038232983, ClinGen allele CA2263242453.

ClinVar aggregate classification (germline): Uncertain significance (1 of 4 stars; one submission).

Submission:

Labcorp Genetics (formerly Invitae), Labcorp
Classification: Uncertain significance. Last evaluated: 2025-01-21. Review status: criteria provided, single submitter. Criteria: Invitae Variant Classification Sherloc (09022015). Collection method: clinical testing. Allele origin: germline.
Comment: This sequence change creates a premature translational stop signal (p.Ala154Cysfs*8) in the HOXB13 gene. It is expected to result in an absent or disrupted protein product. However, the current clinical and genetic evidence is not sufficient to establish whether loss-of-function variants in HOXB13 cause disease. This variant is not present in population databases (gnomAD no frequency). This variant has not been reported in the literature in individuals affected with HOXB13-related conditions. ClinVar contains an entry for this variant (Variation ID: 2179082). In summary, the available evidence is currently insufficient to determine the role of this variant in disease. Therefore, it has been classified as a Variant of Uncertain Significance.